The following is an entry in ClinVar:

NM_001101362.3(KBTBD13):c.768C>A (p.Phe256Leu)

Gene: KBTBD13 (kelch repeat and BTB domain containing 13; plus strand). Cytogenetic location: 15q22.31.
Variant type: single nucleotide variant.
Coding change: c.768C>A on transcript NM_001101362.3 (MANE Select); coding-DNA position 768, C replaced by A.
Protein change: p.Phe256Leu; replaces phenylalanine 256 with leucine.
Molecular consequence: missense variant.
Genome position (GRCh38, 1-based): chr15:65,077,583, C>A. VCF-style: chr15-65077583-C-A. GRCh37 (hg19) VCF-style: chr15-65369921-C-A.
Other names: short protein forms F256L.
Identifiers: ClinVar variation 1719685 (VCV001719685.5), dbSNP rs758252719, ClinGen allele CA392863102.

ClinVar aggregate classification (germline): Uncertain significance (1 of 4 stars; one submission).

Conditions:
Nemaline myopathy 6 (NEM6). Also called: Nemaline myopathy 6, autosomal dominant. Identifiers: Orphanet 171439, MedGen C1836472, MONDO:0012237, OMIM 609273.

Submission:

Labcorp Genetics (formerly Invitae), Labcorp
Classification: Uncertain significance for Nemaline myopathy 6. Last evaluated: 2022-10-20. Review status: criteria provided, single submitter. Criteria: Invitae Variant Classification Sherloc (09022015). Collection method: clinical testing. Allele origin: germline.
Comment: In summary, the available evidence is currently insufficient to determine the role of this variant in disease. Therefore, it has been classified as a Variant of Uncertain Significance. Advanced modeling of protein sequence and biophysical properties (such as structural, functional, and spatial information, amino acid conservation, physicochemical variation, residue mobility, and thermodynamic stability) performed at Invitae indicates that this missense variant is not expected to disrupt KBTBD13 protein function. This variant has not been reported in the literature in individuals affected with KBTBD13-related conditions. This variant is not present in population databases (gnomAD no frequency). This sequence change replaces phenylalanine, which is neutral and non-polar, with leucine, which is neutral and non-polar, at codon 256 of the KBTBD13 protein (p.Phe256Leu).